The following is an entry in ClinVar:

NM_015295.3(SMCHD1):c.4886_4890del (p.Glu1629fs)

Gene: SMCHD1 (structural maintenance of chromosomes flexible hinge domain containing 1; plus strand). Cytogenetic location: 18p11.32.
Variant type: Microsatellite.
Coding change: c.4886_4890del on transcript NM_015295.3 (MANE Select); coding-DNA positions 4886 to 4890, 5 bases deleted (AAAAG; older notation c.4886_4890delAAAAG).
Protein change: p.Glu1629fs; shifts the reading frame from glutamic acid 1629.
Molecular consequence: frameshift variant.
Genome position (GRCh38, 1-based): chr18:2,770,028-2,770,032, AAAAG deleted; deleting any 5 consecutive bases within chr18:2,770,023-2,770,032 gives the same sequence; the c. name uses the placement nearest the transcript's 3' end. VCF-style (leftmost placement, unchanged base first): chr18-2770022-CAAAAG-C. GRCh37 (hg19) VCF-style: chr18-2770020-CAAAAG-C.
Other names: short protein forms E1629fs.
Identifiers: ClinVar variation 3644989 (VCV003644989.2).

ClinVar aggregate classification (germline): Pathogenic (1 of 4 stars; one submission).

Conditions:
Facioscapulohumeral muscular dystrophy 2 (FSHD2). Also called: MUSCULAR DYSTROPHY, FACIOSCAPULOHUMERAL, TYPE 1B; FACIOSCAPULOHUMERAL MUSCULAR DYSTROPHY 2, DIGENIC; FSHD2, DIGENIC. Identifiers: Orphanet 269, MedGen C1834671, MONDO:0008031, OMIM 158901.

Submission:

Labcorp Genetics (formerly Invitae), Labcorp
Classification: Pathogenic for Facioscapulohumeral muscular dystrophy 2. Last evaluated: 2024-03-07. Review status: criteria provided, single submitter. Criteria: Invitae Variant Classification Sherloc (09022015). Collection method: clinical testing. Allele origin: germline.
Comment: This sequence change creates a premature translational stop signal (p.Glu1629Glyfs*11) in the SMCHD1 gene. It is expected to result in an absent or disrupted protein product. Loss-of-function variants in SMCHD1 are known to be pathogenic (PMID: 23143600). This variant is not present in population databases (gnomAD no frequency). This variant has not been reported in the literature in individuals affected with SMCHD1-related conditions. For these reasons, this variant has been classified as Pathogenic.

Literature cited by the submitters: PubMed 23143600.